The following is an entry in ClinVar:

NM_014014.5(SNRNP200):c.390T>C (p.Asp130=)

Gene: SNRNP200 (small nuclear ribonucleoprotein U5 subunit 200; minus strand). Cytogenetic location: 2q11.2.
Variant type: single nucleotide variant.
Coding change: c.390T>C on transcript NM_014014.5 (MANE Select); coding-DNA position 390, T replaced by C.
Protein change: p.Asp130=; no amino-acid change (aspartic acid 130 retained).
Molecular consequence: synonymous variant.
Genome position (GRCh38, 1-based): chr2:96,301,708, A>G on the plus strand (T>C on the coding strand, the complement: SNRNP200 is on the minus strand). VCF-style: chr2-96301708-A-G. GRCh37 (hg19) VCF-style: chr2-96967446-A-G.
Identifiers: ClinVar variation 337566 (VCV000337566.15), dbSNP rs138291954, ClinGen allele CA1779189.

ClinVar aggregate classification (germline): Conflicting classifications of pathogenicity. Review status: criteria provided, conflicting classifications (1 of 4 stars). 4 submissions from 4 submitters: Uncertain significance (1); Likely benign (3). Last evaluated 2025-07-03.

Conditions:
SNRNP200-related disorder. Also called: SNRNP200-related condition.
Retinitis pigmentosa (RP). Identifiers: Orphanet 791, MedGen C0035334, MeSH D012174, MONDO:0019200, OMIM 268000. Inheritance: Autosomal dominant, autosomal recessive and X linked inheritance.

Allele frequency attached by ClinVar (database versions not stated): TOPMed 0.00014; gnomAD 0.00016; gnomAD exomes 0.00017 and 0.00035; ESP Exome Variant Server 0.00023; ExAC 0.00029.
gnomAD v4.1: 553 of 1,614,048 alleles (0.034%); highest among the groups gnomAD compares: Non-Finnish European, 0.042%; no homozygotes.

Submissions (4):

Labcorp Genetics (formerly Invitae), Labcorp
Classification: Likely benign. Last evaluated: 2025-07-03. Review status: criteria provided, single submitter. Criteria: Invitae Variant Classification Sherloc (09022015). Collection method: clinical testing. Allele origin: germline.

PreventionGenetics, part of Exact Sciences
Classification: Likely benign for SNRNP200-related condition. Last evaluated: 2025-05-30. Review status: criteria provided, single submitter. Criteria: ACMG Guidelines, 2015. Collection method: clinical testing. Allele origin: germline.
Comment: This variant is classified as likely benign based on ACMG/AMP sequence variant interpretation guidelines (Richards et al. 2015 PMID: 25741868, with internal and published modifications).

Blueprint Genetics
Classification: Likely benign. Last evaluated: 2024-07-19. Review status: criteria provided, single submitter. Criteria: ACMG Guidelines, 2015. Collection method: clinical testing. Allele origin: germline.

Illumina Laboratory Services, Illumina
Classification: Uncertain significance for Retinitis pigmentosa. Last evaluated: 2018-01-13. Review status: criteria provided, single submitter. Criteria: ICSL Variant Classification Criteria 13 December 2019. Collection method: clinical testing. Allele origin: germline.